The following is an entry in ClinVar:

NM_001077350.3(NPRL3):c.1351+75T>C

Genes: HBA-LCR (alpha-globin locus control region; plus strand), NPRL3 (NPR3 like, GATOR1 complex subunit; minus strand). Cytogenetic location: 16p13.3.
Variant type: single nucleotide variant.
Coding change: c.1351+75T>C on transcript NM_001077350.3 (MANE Select); 75 bases into the intron after coding-DNA position 1351, T replaced by C.
Molecular consequence: intron variant.
Genome position (GRCh38, 1-based): chr16:89,638, A>G on the plus strand (T>C on the coding strand, the complement: NPRL3 is on the minus strand). VCF-style: chr16-89638-A-G. GRCh37 (hg19) VCF-style: chr16-139636-A-G.
Other names: c.1117+75T>C (NM_001243247.2); c.1276+75T>C (NM_001243248.2, NM_001243249.2); c.814+75T>C (NM_001039476.3).
Identifiers: ClinVar variation 1185296 (VCV001185296.6), dbSNP rs2239299, ClinGen allele CA15875899.

ClinVar aggregate classification (germline): Benign. Review status: criteria provided, multiple submitters, no conflicts (2 of 4 stars). 4 submissions from 4 submitters: Benign (4). Last evaluated 2024-07-31.

Conditions:
Epilepsy, familial focal, with variable foci 3 (FFEVF3). Identifiers: MedGen C4310708, MONDO:0014925, OMIM 617118.

Allele frequency attached by ClinVar (database versions not stated): 1000 Genomes Project 0.93091; 1000 Genomes Project 30x 0.93270; TOPMed 0.97623; gnomAD exomes 0.97628; gnomAD 0.97683 and 0.98102.
gnomAD v4.1: 1,322,316 of 1,354,662 alleles (98%); highest among the groups gnomAD compares: Admixed American, 99%; 646,480 homozygotes.

Submissions (4):

Unidad de Genómica Garrahan, Hospital de Pediatría Garrahan
Classification: Benign. Last evaluated: 2024-07-31. Review status: criteria provided, single submitter. Criteria: ACMG Guidelines, 2015. Collection method: clinical testing. Allele origin: germline. Affected: no. Observed: 93 variant alleles.
Comment: This variant is classified as Benign based on local population frequency. This variant was detected in 100% of patients studied in a panel designed for Epileptic and Developmental Encephalopathy, Progressive Myoclonus Epilepsy and Abnormal Movements and Neurodegeneration with brain iron accumulation. Number of patients: 93. Only high quality variants are reported.

Genome-Nilou Lab
Classification: Benign for Epilepsy, familial focal, with variable foci 3. Last evaluated: 2021-07-14. Review status: criteria provided, single submitter. Criteria: ACMG Guidelines, 2015. Collection method: clinical testing. Allele origin: germline. Affected: no.

GeneDx
Classification: Benign. Last evaluated: 2018-07-15. Review status: criteria provided, single submitter. Criteria: GeneDx Variant Classification Process June 2021. Collection method: clinical testing. Allele origin: germline. Affected: yes.

Breakthrough Genomics
Classification: Benign. Review status: criteria provided, single submitter. Criteria: ACMG Guidelines, 2015. Collection method: not provided. Allele origin: germline. Inheritance: Autosomal dominant inheritance. Affected: yes.